The following is an entry in ClinVar:

NM_015506.3(MMACHC):c.800G>A (p.Arg267Gln)

Gene: MMACHC (metabolism of cobalamin associated C; plus strand). Cytogenetic location: 1p34.1.
Variant type: single nucleotide variant.
Coding change: c.800G>A on transcript NM_015506.3 (MANE Select); coding-DNA position 800, G replaced by A.
Protein change: p.Arg267Gln; replaces arginine 267 with glutamine.
Molecular consequence: missense variant.
Genome position (GRCh38, 1-based): chr1:45,509,166, G>A. VCF-style: chr1-45509166-G-A. GRCh37 (hg19) VCF-style: chr1-45974838-G-A.
Other names: c.629G>A, p.Arg210Gln (NM_001330540.2); short protein forms R267Q, R210Q.
Identifiers: ClinVar variation 378150 (VCV000378150.17), dbSNP rs765822392, ClinGen allele CA827866.
Genomic context (GRCh38, chr1:45,509,166, plus strand): 5'-CCCCGGACCTTCCCTTTACCACACCCGCCCCCAAGAAGCCTGGGAATCCCAGCAGAGCCC[G>A]GAGCTGGCTCAGCCCCAGGGTCTCACCACCTGCATCCCCTGGCCCTTGATTTTCTCCCAT-3'
Protein context (NP_056321.2, residues 257-277): PKKPGNPSRA[Arg267Gln]SWLSPRVSPP

ClinVar aggregate classification (germline): Uncertain significance. Review status: criteria provided, multiple submitters, no conflicts (2 of 4 stars). 11 submissions from 11 submitters: Uncertain significance (10). 1 of the submissions does not count toward it. Last evaluated 2024-04-22.

Conditions:
Cobalamin C disease. Also called: Cobalamin-C methylmalonic acidemia and homocystinuria; Methylmalonic acidemia and homocystinuria cblC type; Methylmalonic aciduria and homocystinuria, Vitamin B12-responsive; Vitamin B12 metabolic defect with combined deficiency of methylmalonyl-CoA mutase and homocysteine:methyltetrahydrofolate methyltransferase; methylmalonic aciduria and homocystinuria type cblC; Methylmalonic aciduria with homocystinuria cblC type. Identifiers: Orphanet 26, Orphanet 79282, MedGen C1848561, MONDO:0010184, OMIM 277400.
Inborn genetic diseases. Identifiers: MedGen C0950123, MeSH D030342.

Allele frequency attached by ClinVar (database versions not stated): gnomAD 0.00002 and 0.00003; TOPMed 0.00002; gnomAD exomes 0.00003 and 0.00007; ExAC 0.00007.
gnomAD v4.1: 57 of 1,613,804 alleles (0.0035%); highest among the groups gnomAD compares: South Asian, 0.015%; no homozygotes.

Submissions (11):

Fulgent Genetics
Classification: Uncertain significance for Cobalamin C disease. Last evaluated: 2024-04-22. Review status: criteria provided, single submitter. Criteria: ACMG Guidelines, 2015. Collection method: clinical testing. Allele origin: germline.

Women's Health and Genetics/Laboratory Corporation of America, LabCorp
Classification: Uncertain significance. Last evaluated: 2024-01-11. Review status: criteria provided, single submitter. Criteria: LabCorp Variant Classification Summary - May 2015. Collection method: clinical testing. Allele origin: germline.
Comment: Variant summary: MMACHC c.800G>A (p.Arg267Gln) results in a conservative amino acid change in the encoded protein sequence. Five of five in-silico tools predict a benign effect of the variant on protein function. The variant allele was found at a frequency of 6.8e-05 in 248864 control chromosomes (gnomAD). This frequency is not significantly higher than estimated for a pathogenic variant in MMACHC causing Methylmalonic Acidemia With Homocystinuria (6.8e-05 vs 0.0032), allowing no conclusion about variant significance. c.800G>A has been reported in the literature in individuals affected with Cobalamin C Disease (Methylmalonic Aciduria With Homocystinuria), however the majority of these reports identified the variant as part of a complex allele with c.271dupA (p.R91Kfs) (e.g., Lerner-Ellis_2006, Lerner-Ellis_2009, Koutmos_2011, Gizicki_2014, Stranneheim_2021, Kacpura_2022). These reports therefore do not provide unequivocal conclusions about association of the variant with Methylmalonic Acidemia With Homocystinuria. To our knowledge, no experimental evidence demonstrating an impact on protein function has been reported. The following publications have been ascertained in the context of this evaluation (PMID: 24126030, 35156754, 19370762, 16311595, 33726816, 21697092). ClinVar contains an entry for this variant (Variation ID: 378150). Based on the evidence outlined above, the variant was classified as uncertain significance.

Genome-Nilou Lab
Classification: Uncertain significance for Cobalamin C disease. Last evaluated: 2023-04-11. Review status: criteria provided, single submitter. Criteria: ACMG Guidelines, 2015. Collection method: clinical testing. Allele origin: germline. Affected: no.

Ambry Genetics
Classification: Uncertain significance for Inborn genetic diseases. Last evaluated: 2022-09-12. Review status: criteria provided, single submitter. Criteria: Ambry Variant Classification Scheme 2023. Collection method: clinical testing. Allele origin: germline.

Myriad Genetics, Inc.
Classification: Uncertain significance for Cobalamin C disease. Last evaluated: 2021-10-20. Review status: criteria provided, single submitter. Criteria: Myriad Women's Health Autosomal Recessive and X-Linked Classification Criteria (2021). Collection method: clinical testing. Allele origin: unknown.
Comment: NM_015506.2(MMACHC):c.800G>A(R267Q) is a missense variant classified as a variant of uncertain significance in the context of methylmalonic aciduria and homocystinuria, cblC type. R267Q has been observed in cases with relevant disease (PMID: 16311595, 24126030). Functional assessments of this variant are not available in the literature. R267Q has been observed in population frequency databases (gnomAD: SAS 0.02%). In summary, there is insufficient evidence to classify NM_015506.2(MMACHC):c.800G>A(R267Q) as pathogenic or benign. Please note: this variant was assessed in the context of healthy population screening.

Labcorp Genetics (formerly Invitae), Labcorp
Classification: Uncertain significance for Cobalamin C disease. Last evaluated: 2021-08-30. Review status: criteria provided, single submitter. Criteria: Invitae Variant Classification Sherloc (09022015). Collection method: clinical testing. Allele origin: germline.
Comment: This sequence change replaces arginine with glutamine at codon 267 of the MMACHC protein (p.Arg267Gln). The arginine residue is moderately conserved and there is a small physicochemical difference between arginine and glutamine. This variant is present in population databases (rs765822392, ExAC 0.02%). This missense change has been observed in individual(s) with methylmalonic aciduria and homocystinuria (PMID: 16311595, 19370762, 24126030). In at least one individual the data is consistent with the variant being in trans (on the opposite chromosome) from a pathogenic variant. ClinVar contains an entry for this variant (Variation ID: 378150). Algorithms developed to predict the effect of missense changes on protein structure and function output the following: SIFT: "Deleterious"; PolyPhen-2: "Benign"; Align-GVGD: "Class C0". The glutamine amino acid residue is found in multiple mammalian species, which suggests that this missense change does not adversely affect protein function. In summary, the available evidence is currently insufficient to determine the role of this variant in disease. Therefore, it has been classified as a Variant of Uncertain Significance.

Revvity Omics, Revvity
Classification: Uncertain significance for Cobalamin C disease. Last evaluated: 2021-07-05. Review status: criteria provided, single submitter. Criteria: ACMG Guidelines, 2015. Collection method: clinical testing. Allele origin: germline.

GeneDx
Classification: Uncertain significance. Last evaluated: 2021-04-19. Review status: criteria provided, single submitter. Criteria: GeneDx Variant Classification Process June 2021. Collection method: clinical testing. Allele origin: germline. Affected: yes.
Comment: Also observed in an individual with cblC deficiency who also harbored c.271dupA but it is not known whether these variants occurred on the same (in cis) or opposite (in trans) chromosomes (Gizicki et al., 2014); Described as a benign and possibly benign variant (Lerner-Ellis et al., 2009; Koutmos et al., 2011); In silico analysis supports that this missense variant does not alter protein structure/function; This variant is associated with the following publications: (PMID: 21697092, 24126030, 19370762, 16311595)

Blueprint Genetics
Classification: Uncertain significance. Last evaluated: 2018-06-14. Review status: criteria provided, single submitter. Criteria: ACMG Guidelines, 2015. Collection method: clinical testing. Allele origin: germline.

Neuberg Centre For Genomic Medicine, NCGM
Classification: Uncertain significance for Cobalamin C disease. Review status: criteria provided, single submitter. Criteria: ACMG Guidelines, 2015. Collection method: clinical testing. Allele origin: germline. Inheritance: Autosomal recessive inheritance. Affected: yes.
Comment: The observed missense variant c.800G>A(p.Arg267Gln) in MMACHC gene has been reported previously in individuals with cblC deficiency who also harbored c.271dupA but it is not known whether these variants occurred in cis/trans chromosomes (Gizicki et al., 2014). Also, this variant is described as a benign and possibly benign variant (Lerner-Ellis JP, et al., 2009). The c.800G>A variant has 0.01% allele frequency in gnomAD Exomes. This variant has been reported to the ClinVar database as Uncertain Significance. The amino acid Arginine at position 267 is changed to a Glutamine changing protein sequence and it might alter its composition and physico-chemical properties.The amino acid change p.Arg267Gln in MMACHC is predicted as conserved by GERP++. For these reasons, this variant has been classified as Uncertain Significance.

Natera, Inc.
Classification: Likely benign for Methylmalonic aciduria with homocystinuria cblC type. Last evaluated: 2020-09-16. Review status: no assertion criteria provided. Collection method: clinical testing. Allele origin: germline. Not counted in ClinVar's aggregate classification.

Literature cited by the submitters: PubMed 19370762 (cited by 3 submitters); PubMed 16311595 (cited by 4 submitters); PubMed 33726816 (cited by Women's Health and Genetics/Laboratory Corporation of America, LabCorp); PubMed 24126030 (cited by 4 submitters); PubMed 35156754 (cited by Women's Health and Genetics/Laboratory Corporation of America, LabCorp); PubMed 21697092 (cited by Women's Health and Genetics/Laboratory Corporation of America, LabCorp).